The following is an entry in ClinVar:

ClinVar aggregate classification (germline): Uncertain significance (1 of 4 stars; one submission).

Conditions:
Developmental and epileptic encephalopathy, 34 (DEE34). Also called: SLC12A5-Related Epilepsy of Infancy with Migrating Focal Seizures; Early infantile epileptic encephalopathy 34. Identifiers: Orphanet 293181, MedGen C4225257, MONDO:0014718, OMIM 616645.

Allele frequency attached by ClinVar (database versions not stated): gnomAD exomes below 0.00001; gnomAD 0.00001; TOPMed 0.00001.
gnomAD v4.1: 5 of 1,613,820 alleles (0.00031%); highest among the groups gnomAD compares: Admixed American, 0.0017%; no homozygotes.

Submission:

Labcorp Genetics (formerly Invitae), Labcorp
Classification: Uncertain significance for Developmental and epileptic encephalopathy, 34. Last evaluated: 2022-02-25. Review status: criteria provided, single submitter. Criteria: Invitae Variant Classification Sherloc (09022015). Collection method: clinical testing. Allele origin: germline.
Comment: This sequence change replaces asparagine, which is neutral and polar, with serine, which is neutral and polar, at codon 283 of the SLC12A5 protein (p.Asn283Ser). This variant is not present in population databases (gnomAD no frequency). This variant has not been reported in the literature in individuals affected with SLC12A5-related conditions. Advanced modeling of protein sequence and biophysical properties (such as structural, functional, and spatial information, amino acid conservation, physicochemical variation, residue mobility, and thermodynamic stability) performed at Invitae indicates that this missense variant is not expected to disrupt SLC12A5 protein function. In summary, the available evidence is currently insufficient to determine the role of this variant in disease. Therefore, it has been classified as a Variant of Uncertain Significance.

NM_020708.5(SLC12A5):c.848A>G (p.Asn283Ser)

Gene: SLC12A5 (solute carrier family 12 member 5; plus strand). Cytogenetic location: 20q13.12.
Variant type: single nucleotide variant.
Coding change: c.848A>G on transcript NM_020708.5 (MANE Select); coding-DNA position 848, A replaced by G.
Protein change: p.Asn283Ser; replaces asparagine 283 with serine.
Molecular consequence: missense variant.
Genome position (GRCh38, 1-based): chr20:46,040,608, A>G. VCF-style: chr20-46040608-A-G. GRCh37 (hg19) VCF-style: chr20-44669247-A-G.
Other names: c.917A>G, p.Asn306Ser (NM_001134771.2); short protein forms N306S, N283S.
Identifiers: ClinVar variation 1936966 (VCV001936966.2), dbSNP rs1228721017, ClinGen allele CA409190123.
Genomic context (GRCh38, chr20:46,040,608, plus strand): 5'-TCATCCTCTCCATCCTGGCCATCTATGCTGGGGTCATCAAGTCTGCCTTCGACCCACCCA[A>G]CTTCCCGTGAGTGCTGCTGCTCTGAGCCCAAGGAATCGTCCTCCTACCTCCCTGGCCCTG-3'
Protein context (NP_065759.1, residues 273-293): GVIKSAFDPP[Asn283Ser]FPICLLGNRT